The following is an entry in ClinVar:

ClinVar aggregate classification (germline): Uncertain significance (1 of 4 stars; one submission).

Submission:

GeneDx
Classification: Uncertain significance. Last evaluated: 2026-04-01. Review status: criteria provided, single submitter. Criteria: GeneDx Variant Classification Process June 2021. Collection method: clinical testing. Allele origin: germline.
Comment: Not observed at significant frequency in large population cohorts (gnomAD); In silico analysis supports that this missense variant has a deleterious effect on protein structure/function; Has not been previously published as pathogenic or benign to our knowledge

NM_001438.4(ESRRG):c.902T>C (p.Leu301Pro)

Gene: ESRRG (estrogen related receptor gamma; minus strand). Cytogenetic location: 1q41.
Variant type: single nucleotide variant.
Coding change: c.902T>C on transcript NM_001438.4 (MANE Select); coding-DNA position 902, T replaced by C.
Protein change: p.Leu301Pro; replaces leucine 301 with proline.
Molecular consequence: missense variant.
Genome position (GRCh38, 1-based): chr1:216,519,382, A>G on the plus strand (T>C on the coding strand, the complement: ESRRG is on the minus strand). VCF-style: chr1-216519382-A-G. GRCh37 (hg19) VCF-style: chr1-216692724-A-G.
Other names: c.833T>C, p.Leu278Pro (NM_001134285.3, NM_001243509.2, NM_001243510.3 and 12 more transcripts); c.149T>C, p.Leu50Pro (NM_001243505.2); c.347T>C, p.Leu116Pro (NM_001243506.2); c.716T>C, p.Leu239Pro (NM_001243507.2); c.938T>C, p.Leu313Pro (NM_001243518.2); short protein forms L116P, L239P, L278P, L301P, L313P, L50P.
Identifiers: ClinVar variation 5018130 (VCV005018130.1).